The following is an entry in ClinVar:

ClinVar aggregate classification (germline): Uncertain significance (1 of 4 stars; one submission).

Conditions:
PTPRQ-related disorder. Also called: PTPRQ-related condition.

gnomAD v4.1: 44 of 1,549,832 alleles (0.0028%); highest among the groups gnomAD compares: Middle Eastern, 0.1%; no homozygotes.

Submission:

PreventionGenetics, part of Exact Sciences
Classification: Uncertain significance for PTPRQ-related condition. Last evaluated: 2025-08-19. Review status: criteria provided, single submitter. Criteria: ACMG Guidelines, 2015. Collection method: clinical testing. Allele origin: germline.
Comment: The PTPRQ c.1991A>G variant is predicted to result in the amino acid substitution p.Glu664Gly. To our knowledge, this variant has not been reported in the literature. This variant is reported in 0.020% of alleles in individuals of Latino descent in gnomAD. At this time, the clinical significance of this variant is uncertain due to the absence of conclusive functional and genetic evidence.

NM_001145026.2(PTPRQ):c.1991A>G (p.Glu664Gly)

Gene: PTPRQ (protein tyrosine phosphatase receptor type Q; plus strand). Cytogenetic location: 12q21.31.
Variant type: single nucleotide variant.
Coding change: c.1991A>G on transcript NM_001145026.2 (MANE Select); coding-DNA position 1991, A replaced by G.
Protein change: p.Glu664Gly; replaces glutamic acid 664 with glycine.
Molecular consequence: missense variant.
Genome position (GRCh38, 1-based): chr12:80,496,250, A>G. VCF-style: chr12-80496250-A-G. GRCh37 (hg19) VCF-style: chr12-80890029-A-G.
Other names: short protein forms E664G.
Identifiers: ClinVar variation 4980348 (VCV004980348.1).
Genomic context (GRCh38, chr12:80,496,250, plus strand): 5'-TCTAAAGCAACAAACATCAATAAAAATATAGGTACTACAAATGTTCTTTTCTTCCCCTAG[A>G]ACCGGAATCATCACCTCAAGATGTCGAAGTAATTGATGTTACCGCAGATGAAATAAGGTT-3'
Protein context (NP_001138498.1, residues 654-674): NDIFVRTSED[Glu664Gly]PESSPQDVEV